The following is an entry in ClinVar:

ClinVar aggregate classification (germline): Pathogenic (1 of 4 stars; one submission).

Conditions:
Encephalopathy, lethal, due to defective mitochondrial peroxisomal fission 1. Identifiers: Orphanet 330050, MedGen C3280660, MONDO:0013726, OMIM 614388.

Submission:

Tovana Health
Classification: Pathogenic for Encephalopathy, lethal, due to defective mitochondrial peroxisomal fission 1. Last evaluated: 2025-03-20. Review status: criteria provided, single submitter. Criteria: ACMG Guidelines, 2015. Collection method: clinical testing. Allele origin: paternal. Inheritance: Autosomal recessive inheritance. Affected: yes. Observed: 1 compound heterozygote.
Comment: The DNM1L gene c.270C>G (p.Asn90Lys) sequence change shows the following evidence of pathogenicity: PS2, PM1, PM2, PP2, PP4. This variant is not present in population databases. The substitution of uncharged polar Asparagine to positively charged Lysin may lead to alteration of structure-dependent protein function. This variant was also bioinformatically or in-silico predicted to disturb the proper exon inclusion or impair splicing (depending on isoform). This novel variant was found to be paternally inherited after deep sequencing was applied demonstrating mosaic carrier status of the father and was in trans with another maternally inherited novel pathogenic variant in the affected sibling probands, with one proband more severely affected than the other showcasing the variability of the phenotype even within affected members of the same family.

NM_001278464.2(DNM1L):c.270C>G (p.Asn90Lys)

Gene: DNM1L (dynamin 1 like; plus strand). Cytogenetic location: 12p11.21.
Variant type: single nucleotide variant.
Coding change: c.270C>G on transcript NM_001278464.2 (MANE Plus Clinical); coding-DNA position 270, C replaced by G.
Protein change: p.Asn90Lys; replaces asparagine 90 with lysine.
Molecular consequence: missense variant. On other transcripts: intron variant (4).
Genome position (GRCh38, 1-based): chr12:32,705,844, C>G. VCF-style: chr12-32705844-C-G. GRCh37 (hg19) VCF-style: chr12-32858778-C-G.
Other names: c.270C>G, p.Asn90Lys (NM_001278465.2, NM_001330380.2); c.65C>G, p.Thr22Ser (NM_001278466.2); c.251-1523C>G (NM_012062.5, NM_001278463.2, NM_012063.4 and 1 more transcripts); short protein forms N90K, T22S.
Identifiers: ClinVar variation 3897542 (VCV003897542.1).